The following is an entry in ClinVar:

ClinVar aggregate classification (germline): Uncertain significance. Review status: criteria provided, multiple submitters, no conflicts (2 of 4 stars). 2 submissions from 2 submitters: Uncertain significance (2). Last evaluated 2021-08-25.

Conditions:
Developmental and epileptic encephalopathy, 25 (DEE25). Also called: Epileptic encephalopathy, early infantile, 25; Developmental and epileptic encephalopathy 25, with amelogenesis imperfecta; Epileptic encephalopathy, early infantile, 25, with amelogenesis imperfecta. Identifiers: Orphanet 442835, MedGen C4014621, MONDO:0014392, OMIM 615905.

gnomAD v4.1: 11 of 1,613,982 alleles (0.00068%); highest among the groups gnomAD compares: Non-Finnish European, 0.00093%; no homozygotes.

Submissions (2):

GeneDx
Classification: Uncertain significance. Last evaluated: 2021-08-25. Review status: criteria provided, single submitter. Criteria: GeneDx Variant Classification Process June 2021. Collection method: clinical testing. Allele origin: germline. Affected: yes.
Comment: Not observed at significant frequency in large population cohorts (Lek et al., 2016); In silico analysis supports that this missense variant has a deleterious effect on protein structure/function; Has not been previously published as pathogenic or benign to our knowledge

Labcorp Genetics (formerly Invitae), Labcorp
Classification: Uncertain significance for Developmental and epileptic encephalopathy, 25. Last evaluated: 2021-02-16. Review status: criteria provided, single submitter. Criteria: Invitae Variant Classification Sherloc (09022015). Collection method: clinical testing. Allele origin: germline.
Comment: In summary, the available evidence is currently insufficient to determine the role of this variant in disease. Therefore, it has been classified as a Variant of Uncertain Significance. Algorithms developed to predict the effect of missense changes on protein structure and function (SIFT, PolyPhen-2, Align-GVGD) all suggest that this variant is likely to be tolerated, but these predictions have not been confirmed by published functional studies and their clinical significance is uncertain. This variant has not been reported in the literature in individuals with SLC13A5-related conditions. This variant is not present in population databases (ExAC no frequency). This sequence change replaces arginine with glycine at codon 307 of the SLC13A5 protein (p.Arg307Gly). The arginine residue is weakly conserved and there is a moderate physicochemical difference between arginine and glycine.

NM_177550.5(SLC13A5):c.919C>G (p.Arg307Gly)

Gene: SLC13A5 (solute carrier family 13 member 5; minus strand). Cytogenetic location: 17p13.1.
Variant type: single nucleotide variant.
Coding change: c.919C>G on transcript NM_177550.5 (MANE Select); coding-DNA position 919, C replaced by G.
Protein change: p.Arg307Gly; replaces arginine 307 with glycine.
Molecular consequence: missense variant.
Genome position (GRCh38, 1-based): chr17:6,695,862, G>C on the plus strand (C>G on the coding strand, the complement: SLC13A5 is on the minus strand). VCF-style: chr17-6695862-G-C. GRCh37 (hg19) VCF-style: chr17-6599181-G-C.
Other names: c.919C>G, p.Arg307Gly (NM_001143838.3); c.868C>G, p.Arg290Gly (NM_001284509.2); c.790C>G, p.Arg264Gly (NM_001284510.2); short protein forms R264G, R290G, R307G.
Identifiers: ClinVar variation 1253812 (VCV001253812.8), dbSNP rs769595777, ClinGen allele CA287388193.
Genomic context (GRCh38, chr17:6,695,862, plus strand): 5'-CCAGCAGGAAGAAGCAGATCAGCACGTTGATCTCCGCGAAGGACAAGGGCCCCAGCTTCC[G>C]GTACTCCTCCTGCAGCACCTTGAGGGCAGCCTTCTCGTTTTTCTTGCTCTCTAGCCCGCA-3'
Protein context (NP_808218.1, residues 297-317): AALKVLQEEY[Arg307Gly]KLGPLSFAEI